The following is an entry in ClinVar:

NM_005502.4(ABCA1):c.3776C>G (p.Ala1259Gly)

Gene: ABCA1 (ATP binding cassette subfamily A member 1; minus strand). Cytogenetic location: 9q31.1.
Variant type: single nucleotide variant.
Coding change: c.3776C>G on transcript NM_005502.4 (MANE Select); coding-DNA position 3776, C replaced by G.
Protein change: p.Ala1259Gly; replaces alanine 1259 with glycine.
Molecular consequence: missense variant.
Genome position (GRCh38, 1-based): chr9:104,814,438, G>C on the plus strand (C>G on the coding strand, the complement: ABCA1 is on the minus strand). VCF-style: chr9-104814438-G-C. GRCh37 (hg19) VCF-style: chr9-107576719-G-C.
Other names: short protein forms A1259G.
Identifiers: ClinVar variation 3936322 (VCV003936322.1).

ClinVar aggregate classification (germline): Uncertain significance (1 of 4 stars; one submission).

Conditions:
Cardiovascular phenotype. Identifiers: MedGen CN230736.

gnomAD v4.1: 1 of 1,614,146 alleles (0.000062%); highest among the groups gnomAD compares: Non-Finnish European, 0.000085%; no homozygotes.

Submission:

Ambry Genetics
Classification: Uncertain significance for Cardiovascular phenotype. Last evaluated: 2025-05-30. Review status: criteria provided, single submitter. Criteria: Ambry Variant Classification Scheme 2023. Collection method: clinical testing. Allele origin: germline.
Comment: The p.A1259G variant (also known as c.3776C>G), located in coding exon 25 of the ABCA1 gene, results from a C to G substitution at nucleotide position 3776. The alanine at codon 1259 is replaced by glycine, an amino acid with similar properties. This amino acid position is conserved. In addition, this alteration is predicted to be tolerated by in silico analysis. Based on the available evidence, the clinical significance of this variant remains unclear.